The following is an entry in ClinVar:

ClinVar aggregate classification (germline): Uncertain significance. Review status: criteria provided, multiple submitters, no conflicts (2 of 4 stars). 2 submissions from 2 submitters: Uncertain significance (2). Last evaluated 2024-11-08.

Conditions:
Hereditary cancer-predisposing syndrome. Also called: Tumor predisposition; Hereditary neoplastic syndrome; Neoplastic Syndromes, Hereditary; Hereditary Cancer Syndrome. Identifiers: Orphanet 140162, MedGen C0027672, MeSH D009386, MONDO:0015356.
Hereditary diffuse gastric adenocarcinoma (HDGC). Also called: DIFFUSE GASTRIC AND LOBULAR BREAST CANCER SYNDROME. Identifiers: Orphanet 26106, MedGen C1708349, MONDO:0007648, OMIM 137215.

Allele frequency attached by ClinVar (database versions not stated): gnomAD exomes below 0.00001; TOPMed below 0.00001.
gnomAD v4.1: 1 of 1,614,128 alleles (0.000062%); highest among the groups gnomAD compares: Non-Finnish European, 0.000085%; no homozygotes.

Submissions (2):

Ambry Genetics
Classification: Uncertain significance for Hereditary cancer-predisposing syndrome. Last evaluated: 2024-11-08. Review status: criteria provided, single submitter. Criteria: Ambry Variant Classification Scheme 2023. Collection method: clinical testing. Allele origin: germline.
Comment: The p.V235M variant (also known as c.703G>A), located in coding exon 6 of the CDH1 gene, results from a G to A substitution at nucleotide position 703. The valine at codon 235 is replaced by methionine, an amino acid with highly similar properties. This amino acid position is conserved. In addition, the in silico prediction for this alteration is inconclusive. Based on the available evidence, the clinical significance of this variant remains unclear.

Labcorp Genetics (formerly Invitae), Labcorp
Classification: Uncertain significance for Hereditary diffuse gastric adenocarcinoma. Last evaluated: 2019-08-02. Review status: criteria provided, single submitter. Criteria: Invitae Variant Classification Sherloc (09022015). Collection method: clinical testing. Allele origin: germline.
Comment: In summary, the available evidence is currently insufficient to determine the role of this variant in disease. Therefore, it has been classified as a Variant of Uncertain Significance. Algorithms developed to predict the effect of missense changes on protein structure and function are either unavailable or do not agree on the potential impact of this missense change (SIFT: "Deleterious"; PolyPhen-2: "Probably Damaging"; Align-GVGD: "Class C0"). This variant has not been reported in the literature in individuals with CDH1-related conditions. This variant is not present in population databases (ExAC no frequency). This sequence change replaces valine with methionine at codon 235 of the CDH1 protein (p.Val235Met). The valine residue is highly conserved and there is a small physicochemical difference between valine and methionine.

NM_004360.5(CDH1):c.703G>A (p.Val235Met)

Gene: CDH1 (cadherin 1; plus strand). Cytogenetic location: 16q22.1.
Variant type: single nucleotide variant.
Coding change: c.703G>A on transcript NM_004360.5 (MANE Select); coding-DNA position 703, G replaced by A.
Protein change: p.Val235Met; replaces valine 235 with methionine.
Molecular consequence: missense variant. On other transcripts: 5 prime UTR variant (2).
Genome position (GRCh38, 1-based): chr16:68,810,212, G>A. VCF-style: chr16-68810212-G-A. GRCh37 (hg19) VCF-style: chr16-68844115-G-A.
Other names: c.-1117G>A (NM_001317186.2); c.703G>A, p.Val235Met (NM_001317184.2); c.-913G>A (NM_001317185.2); short protein forms V235M.
Identifiers: ClinVar variation 937845 (VCV000937845.11), dbSNP rs1960779838, ClinGen allele CA396458408.